The following is an entry in ClinVar:

ClinVar aggregate classification (germline): Conflicting classifications of pathogenicity. Review status: criteria provided, conflicting classifications (1 of 4 stars). 9 submissions from 9 submitters: Uncertain significance (7); Likely benign (2). Last evaluated 2026-09-17.

Conditions:
Hereditary cancer. Identifiers: MedGen C1333600.
MET-related disorder. Also called: MET-related condition.
Renal cell carcinoma. Identifiers: Orphanet 217071, MedGen C0007134, MeSH D002292, MONDO:0005086, HP:0005584.
Hereditary cancer-predisposing syndrome. Also called: Neoplastic Syndromes, Hereditary; Tumor predisposition; Hereditary Cancer Syndrome; Hereditary neoplastic syndrome. Identifiers: Orphanet 140162, MedGen C0027672, MeSH D009386, MONDO:0015356.
Hepatocellular carcinoma (HCC). Also called: Primary carcinoma of liver; HEPATOMA; LIVER CELL CARCINOMA. Identifiers: Orphanet 88673, MedGen C2239176, MONDO:0007256, OMIM 114550, HP:0001402.
Osteofibrous dysplasia (OSFD). Also called: Tibia, bowing of, with pseudarthrosis and pectus excavatum. Identifiers: Orphanet 488265, MedGen C4085248, MONDO:0011806, OMIM 607278.
Arthrogryposis, distal, IIa 11. Also called: Arthrogryposis, distal, type 11. Identifiers: MedGen C5774205, MONDO:0031045, OMIM 620019.
Autosomal recessive nonsyndromic hearing loss 97. Also called: Deafness, autosomal recessive 97. Identifiers: Orphanet 90636, MedGen C4084709, MONDO:0014739, OMIM 616705.
Papillary renal cell carcinoma type 1 (RCCP1). Also called: Renal adenocarcinoma; Renal cell carcinoma 1; Renal cell carcinoma, somatic; RENAL CELL CARCINOMA, PAPILLARY, 1, SOMATIC. Identifiers: Orphanet 47044, MedGen C1336839, OMIM 605074, HP:0011797.

Allele frequency attached by ClinVar (database versions not stated): gnomAD 0.00002; gnomAD exomes 0.00004; ExAC 0.00005; TOPMed 0.00006.
gnomAD v4.1: 44 of 1,613,880 alleles (0.0027%); highest among the groups gnomAD compares: Middle Eastern, 0.016%; no homozygotes.

Submissions (9):

PreventionGenetics, part of Exact Sciences
Classification: Uncertain significance for MET-related condition. Last evaluated: 2026-09-17. Review status: criteria provided, single submitter. Criteria: ACMG Guidelines, 2015. Collection method: clinical testing. Allele origin: germline.
Comment: The MET c.1640G>A variant is predicted to result in the amino acid substitution p.Arg547Gln. This variant was reported in an individual with breast cancer (Table S3, Guindalini et al. 2022. PubMed ID: 35264596). This variant is reported in 0.0085% of alleles in individuals of Latino descent in gnomAD. This variant has conflicting interpretations in ClinVar ranging from uncertain to likely benign (Variation ID: 584713). At this time, the clinical significance of this variant is uncertain due to the absence of conclusive functional and genetic evidence.

Labcorp Genetics (formerly Invitae), Labcorp
Classification: Uncertain significance for Renal cell carcinoma. Last evaluated: 2026-01-11. Review status: criteria provided, single submitter. Criteria: Invitae Variant Classification Sherloc (09022015). Collection method: clinical testing. Allele origin: germline.
Comment: This sequence change replaces arginine, which is basic and polar, with glutamine, which is neutral and polar, at codon 547 of the MET protein (p.Arg547Gln). This variant is present in population databases (rs761951444, gnomAD 0.009%). This missense change has been observed in individual(s) with breast cancer (PMID: 35264596). ClinVar contains an entry for this variant (Variation ID: 584713). Invitae Evidence Modeling of protein sequence and biophysical properties (such as structural, functional, and spatial information, amino acid conservation, physicochemical variation, residue mobility, and thermodynamic stability) indicates that this missense variant is not expected to disrupt MET protein function with a negative predictive value of 80%. In summary, the available evidence is currently insufficient to determine the role of this variant in disease. Therefore, it has been classified as a Variant of Uncertain Significance.

GeneDx
Classification: Uncertain significance. Last evaluated: 2025-04-15. Review status: criteria provided, single submitter. Criteria: GeneDx Variant Classification Process June 2021. Collection method: clinical testing. Allele origin: germline.
Comment: In silico analysis indicates that this missense variant does not alter protein structure/function; Observed in an individual with breast cancer (PMID: 35264596); This variant is associated with the following publications: (PMID: 29263839, 35264596)

Quest Diagnostics Nichols Institute San Juan Capistrano
Classification: Uncertain significance. Last evaluated: 2024-07-09. Review status: criteria provided, single submitter. Criteria: Quest Diagnostics criteria. Collection method: clinical testing. Allele origin: unknown.
Comment: The MET c.1640G>A (p.Arg547Gln) variant has been reported in the published literature in an individual with breast cancer (PMID: 35264596 (2022)). The frequency of this variant in the general population, 0.000085 (3/35370 chromosomes (Genome Aggregation Database)), is uninformative in the assessment of its pathogenicity. Analysis of this variant using bioinformatics tools for the prediction of the effect of amino acid changes on protein structure and function yielded predictions that this variant is benign. Based on the available information, we are unable to determine the clinical significance of this variant.

Mendelics
Classification: Likely benign for Hereditary cancer. Last evaluated: 2024-01-23. Review status: criteria provided, single submitter. Criteria: ACMG Guidelines, 2015. Collection method: clinical testing. Allele origin: unknown.

Fulgent Genetics
Classification: Uncertain significance for Hepatocellular carcinoma; Papillary renal cell carcinoma type 1; Osteofibrous dysplasia; Autosomal recessive nonsyndromic hearing loss 97; Arthrogryposis, distal, IIa 11. Last evaluated: 2024-01-02. Review status: criteria provided, single submitter. Criteria: ACMG Guidelines, 2015. Collection method: clinical testing. Allele origin: germline.

Ambry Genetics
Classification: Likely benign for Hereditary cancer-predisposing syndrome. Last evaluated: 2023-03-01. Review status: criteria provided, single submitter. Criteria: Ambry Variant Classification Scheme 2023. Collection method: clinical testing. Allele origin: germline.

Institute for Clinical Genetics, University Hospital TU Dresden, University Hospital TU Dresden
Classification: Uncertain significance. Last evaluated: 2021-11-03. Review status: criteria provided, single submitter. Criteria: ACMG Guidelines, 2015. Collection method: clinical testing. Allele origin: germline.

Breakthrough Genomics
Classification: Uncertain significance. Review status: criteria provided, single submitter. Criteria: ACMG Guidelines, 2015. Collection method: not provided. Allele origin: germline. Inheritance: Autosomal recessive inheritance. Affected: yes.

Literature cited by the submitters: PubMed 35264596 (cited by Labcorp Genetics (formerly Invitae), Labcorp and Quest Diagnostics Nichols Institute San Juan Capistrano).

NM_000245.4(MET):c.1640G>A (p.Arg547Gln)

Gene: MET (MET proto-oncogene, receptor tyrosine kinase; plus strand). Cytogenetic location: 7q31.2.
Variant type: single nucleotide variant.
Coding change: c.1640G>A on transcript NM_000245.4 (MANE Select); coding-DNA position 1640, G replaced by A.
Protein change: p.Arg547Gln; replaces arginine 547 with glutamine.
Molecular consequence: missense variant.
Genome position (GRCh38, 1-based): chr7:116,740,964, G>A. VCF-style: chr7-116740964-G-A. GRCh37 (hg19) VCF-style: chr7-116381018-G-A.
Other names: c.1640G>A, p.Arg547Gln (NM_001127500.3, NM_001324401.3); c.350G>A, p.Arg117Gln (NM_001324402.2); c.1640G>A (NM_001127500.2); short protein forms R547Q, R117Q.
Identifiers: ClinVar variation 584713 (VCV000584713.25), dbSNP rs761951444, ClinGen allele CA4448214.